The following is an entry in ClinVar:

ClinVar aggregate classification (germline): Benign (0 of 4 stars; one submission).

Conditions:
MUC16-related disorder. Also called: MUC16-related condition.

Allele frequency attached by ClinVar (database versions not stated): gnomAD exomes 0.00099; ExAC 0.00297; 1000 Genomes Project 0.00919; ESP Exome Variant Server 0.00942; 1000 Genomes Project 30x 0.01031; gnomAD 0.01076.

Submission:

PreventionGenetics, part of Exact Sciences
Classification: Benign for MUC16-related condition. Last evaluated: 2019-02-18. Review status: no assertion criteria provided. Collection method: clinical testing. Allele origin: germline.
Comment: This variant is classified as benign based on ACMG/AMP sequence variant interpretation guidelines (Richards et al. 2015 PMID: 25741868, with internal and published modifications).

NM_001401501.2(MUC16):c.44277C>G (p.Ser14759Arg)

Gene: MUC16 (mucin 16, cell surface associated; minus strand). Cytogenetic location: 19p13.2.
Variant type: single nucleotide variant.
Coding change: c.44277C>G on transcript NM_001401501.2 (MANE Select); coding-DNA position 44277, C replaced by G.
Protein change: p.Ser14759Arg; replaces serine 14759 with arginine.
Molecular consequence: missense variant.
Genome position (GRCh38, 1-based): chr19:8,882,332, G>C on the plus strand (C>G on the coding strand, the complement: MUC16 is on the minus strand). VCF-style: chr19-8882332-G-C. GRCh37 (hg19) VCF-style: chr19-8993008-G-C.
Other names: c.44703C>G, p.Ser14901Arg (NM_001414686.1); c.44157C>G, p.Ser14719Arg (NM_001414687.1); c.41751C>G, p.Ser13917Arg (NM_024690.2); short protein forms S13917R, S14719R, S14759R, S14901R.
Identifiers: ClinVar variation 3044755 (VCV003044755.2), dbSNP rs28501217, ClinGen allele CA9162675.
Genomic context (GRCh38, chr19:8,882,332, plus strand): 5'-CAGCTCCTGCCCTGCTTGGTGTATAATTGGGGCTACTGGAGCATCGGTTGAATACTCACT[G>C]CTGGTGGTGGGTACAGAGCTCCGATGGGTGAAACCTGCACAGAGAAGGAGGGAGGAGAGT-3'
Protein context (NP_001388430.1, residues 14749-14769): FTHRSSVPTT[Ser14759Arg]TGVVSEEPFT